The following is an entry in ClinVar:

ClinVar aggregate classification (germline): Conflicting classifications of pathogenicity. Review status: criteria provided, conflicting classifications (1 of 4 stars). 7 submissions from 7 submitters: Uncertain significance (6); Likely benign (1). Last evaluated 2026-04-10.

Conditions:
BRCA1-related disorder. Also called: BRCA1-related condition.
Hereditary cancer-predisposing syndrome. Also called: Tumor predisposition; Neoplastic Syndromes, Hereditary; Hereditary neoplastic syndrome; Hereditary Cancer Syndrome. Identifiers: Orphanet 140162, MedGen C0027672, MeSH D009386, MONDO:0015356.
Hereditary breast ovarian cancer syndrome. Also called: Hereditary breast and ovarian cancer syndrome; Hereditary breast and ovarian cancer; Hereditary breast and ovarian cancer syndrome (HBOC); Hereditary breast and/or ovarian cancer syndrome; BRCA1- and BRCA2-Associated Hereditary Breast and Ovarian Cancer; Breast and ovarian cancer. Identifiers: Orphanet 145, MedGen C0677776, MeSH D061325, MONDO:0003582. Disease mechanism: loss of function.

Allele frequency attached by ClinVar (database versions not stated): gnomAD exomes below 0.00001; TOPMed below 0.00001.
gnomAD v4.1: 2 of 1,613,868 alleles (0.00012%); highest among the groups gnomAD compares: Admixed American, 0.0033%; no homozygotes.

Submissions (7):

Women's Health and Genetics/Laboratory Corporation of America, LabCorp
Classification: Uncertain significance. Last evaluated: 2026-04-10. Review status: criteria provided, single submitter. Criteria: LabCorp Variant Classification Summary - May 2015. Collection method: clinical testing. Allele origin: germline.
Comment: Variant summary: BRCA1 c.2638G>C (p.Glu880Gln) results in a conservative amino acid change in the encoded protein sequence. Algorithms developed to predict the effect of missense changes on protein structure and function all suggest that this variant is likely to be tolerated. The variant was absent in 251128 control chromosomes. The available data on variant occurrences in the general population are insufficient to allow any conclusion about variant significance. c.2638G>C has been reported in settings of multigene panel testing for cancer, without strong evidence for causality (Ren_2021, Herzog_2021). These report(s) do not provide unequivocal conclusions about association of the variant with Hereditary Breast And Ovarian Cancer Syndrome. To our knowledge, no experimental evidence demonstrating an impact on protein function has been reported. The following publications have been ascertained in the context of this evaluation (PMID: 34196900, 34413315). ClinVar contains an entry for this variant (Variation ID: 142303). Based on the evidence outlined above, the variant was classified as uncertain significance.

PreventionGenetics, part of Exact Sciences
Classification: Uncertain significance for BRCA1-related condition. Last evaluated: 2025-12-26. Review status: criteria provided, single submitter. Criteria: ACMG Guidelines, 2015. Collection method: clinical testing. Allele origin: germline.
Comment: The BRCA1 c.2638G>C variant is predicted to result in the amino acid substitution p.Glu880Gln. This variant was reported in an individual with breast cancer (Supp. Table 3, Ren et al. 2021. PubMed ID: 34196900) and in several individuals who met referral criteria for BRCA testing, cancer unspecified (Herzog et al. 2021. PubMed ID: 34413315; Li et al. 2019. PubMed ID: 31853058). This variant has not been reported in a large population database (gnomAD), indicating this variant is rare. This variant has conflicting interpretations in ClinVar ranging from uncertain to likely benign (Variation ID: 142303). At this time, the clinical significance of this variant is uncertain due to the absence of conclusive functional and genetic evidence.

Labcorp Genetics (formerly Invitae), Labcorp
Classification: Uncertain significance for Hereditary breast ovarian cancer syndrome. Last evaluated: 2024-12-31. Review status: criteria provided, single submitter. Criteria: Invitae Variant Classification Sherloc (09022015). Collection method: clinical testing. Allele origin: germline.
Comment: This sequence change replaces glutamic acid, which is acidic and polar, with glutamine, which is neutral and polar, at codon 880 of the BRCA1 protein (p.Glu880Gln). This variant is not present in population databases (gnomAD no frequency). This missense change has been observed in individual(s) with clinical features of BRCA1-related conditions (PMID: 34196900, 34413315). ClinVar contains an entry for this variant (Variation ID: 142303). Invitae Evidence Modeling of protein sequence and biophysical properties (such as structural, functional, and spatial information, amino acid conservation, physicochemical variation, residue mobility, and thermodynamic stability) indicates that this missense variant is not expected to disrupt BRCA1 protein function with a negative predictive value of 80%. In summary, the available evidence is currently insufficient to determine the role of this variant in disease. Therefore, it has been classified as a Variant of Uncertain Significance.

Quest Diagnostics Nichols Institute San Juan Capistrano
Classification: Uncertain significance. Last evaluated: 2024-09-29. Review status: criteria provided, single submitter. Criteria: Quest Diagnostics criteria. Collection method: clinical testing. Allele origin: unknown.
Comment: The BRCA1 c.2638G>C (p.Glu880Gln) variant has been reported in an individual with breast cancer (PMID: 34196900 (2021)) and an unspecified phenotype (PMID: 34413315 (2021)). This variant has not been reported in large, multi-ethnic general populations (Genome Aggregation Database). Analysis of this variant using bioinformatics tools for the prediction of the effect of amino acid changes on protein structure and function yielded predictions that this variant is benign. Based on the available information, we are unable to determine the clinical significance of this variant.

Ambry Genetics
Classification: Uncertain significance for Hereditary cancer-predisposing syndrome. Last evaluated: 2023-07-10. Review status: criteria provided, single submitter. Criteria: Ambry Variant Classification Scheme 2023. Collection method: clinical testing. Allele origin: germline.
Comment: The p.E880Q variant (also known as c.2638G>C), located in coding exon 9 of the BRCA1 gene, results from a G to C substitution at nucleotide position 2638. The glutamic acid at codon 880 is replaced by glutamine, an amino acid with highly similar properties. This amino acid position is poorly conserved in available vertebrate species. In addition, this alteration is predicted to be tolerated by in silico analysis. Since supporting evidence is limited at this time, the clinical significance of this alteration remains unclear.

University of Washington Department of Laboratory Medicine, University of Washington
Classification: Likely benign for Hereditary cancer-predisposing syndrome. Last evaluated: 2023-03-23. Review status: criteria provided, single submitter. Criteria: Dines et al. (Genet Med. 2020). Collection method: curation. Allele origin: germline.
Comment: Missense variant in a coldspot region where missense variants are very unlikely to be pathogenic (PMID:31911673).

BRCA1 coldspot (exon 11 using historical exon numbering). Reclassification based on statistical prior probability

GeneDx
Classification: Uncertain significance. Last evaluated: 2020-02-14. Review status: criteria provided, single submitter. Criteria: GeneDx Variant Classification Process June 2021. Collection method: clinical testing. Allele origin: germline. Affected: yes.
Comment: Not observed in large population cohorts (Lek 2016); In silico analysis supports that this missense variant does not alter protein structure/function; Also known as c.2757G>C

Literature cited by the submitters: PubMed 34196900 (cited by 3 submitters); PubMed 34413315 (cited by 3 submitters); PubMed 31911673 (cited by Quest Diagnostics Nichols Institute San Juan Capistrano); PubMed 31853058 (cited by Quest Diagnostics Nichols Institute San Juan Capistrano).

NM_007294.4(BRCA1):c.2638G>C (p.Glu880Gln)

Gene: BRCA1 (BRCA1 DNA repair associated; minus strand). Cytogenetic location: 17q21.31.
Variant type: single nucleotide variant.
Coding change: c.2638G>C on transcript NM_007294.4 (MANE Select); coding-DNA position 2638, G replaced by C.
Protein change: p.Glu880Gln; replaces glutamic acid 880 with glutamine.
Molecular consequence: missense variant. On other transcripts: intron variant (137).
Genome position (GRCh38, 1-based): chr17:43,092,893, C>G on the plus strand (G>C on the coding strand, the complement: BRCA1 is on the minus strand). VCF-style: chr17-43092893-C-G. GRCh37 (hg19) VCF-style: chr17-41244910-C-G.
Other names: c.2425G>C, p.Glu809Gln (NM_001407571.1, NM_001407853.1, NM_001407894.1 and 9 more transcripts); c.2638G>C, p.Glu880Gln (NM_001407581.1, NM_001407582.1, NM_001407583.1 and 30 more transcripts); c.2635G>C, p.Glu879Gln (NM_001407587.1, NM_001407590.1, NM_001407591.1 and 22 more transcripts); c.2629G>C, p.Glu877Gln (NM_001407646.1, NM_001407647.1); c.2557G>C, p.Glu853Gln (NM_001407660.1, NM_001407661.1, NM_001407662.1 and 1 more transcripts); c.2560G>C, p.Glu854Gln (NM_001407663.1, NM_001407653.1, NM_001407654.1 and 4 more transcripts); c.2515G>C, p.Glu839Gln (NM_001407664.1, NM_001407665.1, NM_001407666.1 and 19 more transcripts); c.2512G>C, p.Glu838Gln (NM_001407685.1, NM_001407686.1, NM_001407687.1 and 11 more transcripts); and 41 more; short protein forms E880Q, E833Q, E584Q, E810Q, E812Q, E832Q, E838Q, E853Q.
Identifiers: ClinVar variation 142303 (VCV000142303.35), dbSNP rs587782370, ClinGen allele CA001731.
Genomic context (GRCh38, chr17:43,092,893, plus strand): 5'-TGACTTTTGGACTTTGTTTCTTTAAGGACCCAGAGTGGGCAGAGAATGTTGCACATTCCT[C>G]TTCTGCATTTCCTGGATTTGAAAACGGAGCAAATGACTGGCGCTTTGAAACCTTGAATGT-3'
Protein context (NP_009225.1, residues 870-890): APFSNPGNAE[Glu880Gln]ECATFSAHSG